The following is an entry in ClinVar:

NM_001114753.3(ENG):c.3G>A (p.Met1Ile)

Gene: ENG (endoglin; minus strand). Cytogenetic location: 9q34.11.
Variant type: single nucleotide variant.
Coding change: c.3G>A on transcript NM_001114753.3 (MANE Select); coding-DNA position 3, G replaced by A.
Protein change: p.Met1Ile; changes the start codon (methionine 1).
Molecular consequence: missense variant, initiator codon variant.
Genome position (GRCh38, 1-based): chr9:127,854,353, C>T on the plus strand (G>A on the coding strand, the complement: ENG is on the minus strand). VCF-style: chr9-127854353-C-T. GRCh37 (hg19) VCF-style: chr9-130616632-C-T.
Other names: c.3G>A, p.Met1Ile (NM_000118.4, NM_001406715.1); short protein forms M1I.
Identifiers: ClinVar variation 2735353 (VCV002735353.4), dbSNP rs2539126528, ClinGen allele CA374989707.

ClinVar aggregate classification (germline): Pathogenic. Review status: criteria provided, multiple submitters, no conflicts (2 of 4 stars). 2 submissions from 2 submitters: Pathogenic (2). Last evaluated 2025-10-03.

Conditions:
Telangiectasia, hereditary hemorrhagic, type 1 (HHT1). Also called: Osler Weber Rendu syndrome type 1; ENG-Related Hereditary Hemorrhagic Telangiectasia. Identifiers: Orphanet 774, MedGen C4551861, MONDO:0008535, OMIM 187300. Disease mechanism: loss of function.
Hereditary hemorrhagic telangiectasia (HHT). Also called: ORW DISEASE; Osler Weber Rendu syndrome; OSLER-RENDU-WEBER DISEASE; Osler hemorrhagic telangiectasia syndrome. Identifiers: Orphanet 774, MedGen C0039445, MONDO:0019180. Disease mechanism: loss of function.

Allele frequency attached by ClinVar (database versions not stated): gnomAD exomes below 0.00001.

Submissions (2):

Department of Clinical Genetics, Copenhagen University Hospital, Rigshospitalet
Classification: Pathogenic for Telangiectasia, hereditary hemorrhagic, type 1. Last evaluated: 2025-10-03. Review status: criteria provided, single submitter. Criteria: ACMG Guidelines, 2015. Collection method: clinical testing. Allele origin: germline.
Comment: The following ACMG criteria has been used: PVS1_mod, PS4, PM2_mod, PP1_su, PP4_mod

Labcorp Genetics (formerly Invitae), Labcorp
Classification: Pathogenic for Hereditary hemorrhagic telangiectasia. Last evaluated: 2024-04-11. Review status: criteria provided, single submitter. Criteria: Invitae Variant Classification Sherloc (09022015). Collection method: clinical testing. Allele origin: germline.
Comment: This sequence change affects the initiator methionine of the ENG mRNA. The next in-frame methionine is located at codon 183. This variant is not present in population databases (gnomAD no frequency). Disruption of the initiator codon has been observed in individual(s) with hereditary hemorrhagic telangiectasia (PMID: 20414677, 21158752, 32847536; Invitae). It has also been observed to segregate with disease in related individuals. For these reasons, this variant has been classified as Pathogenic.

Literature cited by the submitters: PubMed 20414677 (cited by Labcorp Genetics (formerly Invitae), Labcorp); PubMed 21158752 (cited by Labcorp Genetics (formerly Invitae), Labcorp); PubMed 32847536 (cited by Labcorp Genetics (formerly Invitae), Labcorp).